The following is an entry in ClinVar:

NM_001854.4(COL11A1):c.2295+37A>T

Gene: COL11A1 (collagen type XI alpha 1 chain; minus strand). Cytogenetic location: 1p21.1.
Variant type: single nucleotide variant.
Coding change: c.2295+37A>T on transcript NM_001854.4 (MANE Select); 37 bases into the intron after coding-DNA position 2295, A replaced by T.
Molecular consequence: intron variant.
Genome position (GRCh38, 1-based): chr1:102,995,952, T>A on the plus strand (A>T on the coding strand, the complement: COL11A1 is on the minus strand). VCF-style: chr1-102995952-T-A. GRCh37 (hg19) VCF-style: chr1-103461508-T-A.
Other names: c.2178+37A>T (NM_001190709.2); c.2331+37A>T (NM_080629.3); c.1947+37A>T (NM_080630.4).
Identifiers: ClinVar variation 258443 (VCV000258443.7), dbSNP rs2622867, ClinGen allele CA974493.

ClinVar aggregate classification (germline): Benign. Review status: criteria provided, multiple submitters, no conflicts (2 of 4 stars). 7 submissions from 4 submitters: Benign (7). Last evaluated 2021-07-22.

Conditions:
Hearing loss, autosomal dominant 37. Also called: DEAFNESS, AUTOSOMAL DOMINANT 37. Identifiers: MedGen C4760307, MONDO:0032802, OMIM 618533.
Fibrochondrogenesis 1 (FBCG1). Identifiers: Orphanet 2021, MedGen C3278138, MONDO:0009226, OMIM 228520.
Marshall syndrome (MRSHS). Identifiers: Orphanet 560, MedGen C0265235, MONDO:0007949, OMIM 154780.
Stickler syndrome type 2 (STL2). Also called: COL11A1-Related Stickler Syndrome; STICKLER SYNDROME, BEADED VITREOUS TYPE; STICKLER SYNDROME, VITREOUS TYPE 2; STICKLER SYNDROME, TYPE II. Identifiers: Orphanet 828, Orphanet 90654, MedGen C1858084, MONDO:0011493, OMIM 604841.

Allele frequency attached by ClinVar (database versions not stated): ESP Exome Variant Server 0.90548; TOPMed 0.91179; gnomAD 0.91369 and 0.91821; 1000 Genomes Project 30x 0.92130; 1000 Genomes Project 0.92392; ExAC 0.95364; gnomAD exomes 0.95641.
gnomAD v4.1: 1,547,226 of 1,612,872 alleles (96%); highest among the groups gnomAD compares: East Asian, 100%; 743,440 homozygotes.

Submissions (8):

Genome-Nilou Lab
Classification: Benign for Hearing loss, autosomal dominant 37. Last evaluated: 2021-07-22. Review status: criteria provided, single submitter. Criteria: ACMG Guidelines, 2015. Collection method: clinical testing. Allele origin: germline. Affected: no.

Genome-Nilou Lab
Classification: Benign for Fibrochondrogenesis 1. Last evaluated: 2021-07-22. Review status: criteria provided, single submitter. Criteria: ACMG Guidelines, 2015. Collection method: clinical testing. Allele origin: germline. Affected: no.

Genome-Nilou Lab
Classification: Benign for Marshall syndrome. Last evaluated: 2021-07-22. Review status: criteria provided, single submitter. Criteria: ACMG Guidelines, 2015. Collection method: clinical testing. Allele origin: germline. Affected: no.

Genome-Nilou Lab
Classification: Benign for Stickler syndrome type 2. Last evaluated: 2021-07-22. Review status: criteria provided, single submitter. Criteria: ACMG Guidelines, 2015. Collection method: clinical testing. Allele origin: germline. Affected: no.

GeneDx
Classification: Benign. Last evaluated: 2018-06-14. Review status: criteria provided, single submitter. Criteria: GeneDx Variant Classification (06012015). Collection method: clinical testing. Allele origin: germline. Affected: yes.
Comment: This variant is considered likely benign or benign based on one or more of the following criteria: it is a conservative change, it occurs at a poorly conserved position in the protein, it is predicted to be benign by multiple in silico algorithms, and/or has population frequency not consistent with disease.

Breakthrough Genomics
Classification: Benign. Review status: criteria provided, single submitter. Criteria: ACMG Guidelines, 2015. Collection method: not provided. Allele origin: germline. Inheritance: Autosomal recessive inheritance. Affected: yes.

PreventionGenetics, part of Exact Sciences
Classification: Benign. Review status: criteria provided, single submitter. Criteria: ACMG Guidelines, 2015. Collection method: clinical testing. Allele origin: germline.

Dr. Peter K. Rogan Lab, Western University
No classification provided (evidence only). Condition: Familial cancer of breast. Review status: no classification provided. Collection method: in vitro. Allele origin: not applicable. Functional consequence: retained intron. Not counted in ClinVar's aggregate classification.